The following is an entry in ClinVar:

NM_032043.3(BRIP1):c.1752T>G (p.Thr584=)

Gene: BRIP1 (BRCA1 interacting DNA helicase 1; minus strand). Cytogenetic location: 17q23.2.
Variant type: single nucleotide variant.
Coding change: c.1752T>G on transcript NM_032043.3 (MANE Select); coding-DNA position 1752, T replaced by G.
Protein change: p.Thr584=; no amino-acid change (threonine 584 retained).
Molecular consequence: synonymous variant.
Genome position (GRCh38, 1-based): chr17:61,780,882, A>C on the plus strand (T>G on the coding strand, the complement: BRIP1 is on the minus strand). VCF-style: chr17-61780882-A-C. GRCh37 (hg19) VCF-style: chr17-59858243-A-C.
Identifiers: ClinVar variation 461082 (VCV000461082.19), dbSNP rs778774207, ClinGen allele CA501150477.

ClinVar aggregate classification (germline): Benign/Likely benign. Review status: criteria provided, multiple submitters, no conflicts (2 of 4 stars). 4 submissions from 4 submitters: Benign (1); Likely benign (3). Last evaluated 2025-03-09.

Conditions:
Hereditary cancer-predisposing syndrome. Also called: Hereditary neoplastic syndrome; Neoplastic Syndromes, Hereditary; Tumor predisposition; Hereditary Cancer Syndrome. Identifiers: Orphanet 140162, MedGen C0027672, MeSH D009386, MONDO:0015356.
Fanconi anemia complementation group J. Also called: BRIP1-Related Fanconi Anemia. Identifiers: Orphanet 84, MedGen C1836860, MONDO:0012187, OMIM 609054.
Familial cancer of breast. Also called: BREAST CANCER, FAMILIAL; hereditary breast carcinoma; Hereditary breast cancer. Identifiers: Orphanet 227535, MedGen C0346153, MONDO:0016419, OMIM 114480. Disease mechanism: loss of function.

Allele frequency attached by ClinVar (database versions not stated): gnomAD 0.00001; TOPMed 0.00002.
gnomAD v4.1: 5 of 1,614,104 alleles (0.00031%); highest among the groups gnomAD compares: African/African-American, 0.004%; no homozygotes.

Submissions (4):

Labcorp Genetics (formerly Invitae), Labcorp
Classification: Likely benign for Familial cancer of breast; Fanconi anemia complementation group J. Last evaluated: 2025-03-09. Review status: criteria provided, single submitter. Criteria: Invitae Variant Classification Sherloc (09022015). Collection method: clinical testing. Allele origin: germline.

Myriad Genetics, Inc.
Classification: Benign for Familial cancer of breast. Last evaluated: 2024-08-29. Review status: criteria provided, single submitter. Criteria: Myriad Autosomal Dominant, Autosomal Recessive and X-Linked Classification Criteria (2023). Collection method: clinical testing. Allele origin: unknown.
Comment: This variant is considered benign. This variant is a silent/synonymous amino acid change and it is not expected to impact splicing.

Ambry Genetics
Classification: Likely benign for Hereditary cancer-predisposing syndrome. Last evaluated: 2019-05-24. Review status: criteria provided, single submitter. Criteria: Ambry Variant Classification Scheme 2023. Collection method: clinical testing. Allele origin: germline.

GeneDx
Classification: Likely benign. Last evaluated: 2018-05-21. Review status: criteria provided, single submitter. Criteria: GeneDx Variant Classification (06012015). Collection method: clinical testing. Allele origin: germline. Affected: yes.
Comment: This variant is considered likely benign or benign based on one or more of the following criteria: it is a conservative change, it occurs at a poorly conserved position in the protein, it is predicted to be benign by multiple in silico algorithms, and/or has population frequency not consistent with disease.